The following is an entry in ClinVar:

NM_138713.4(NFAT5):c.2222A>G (p.Gln741Arg)

Gene: NFAT5 (nuclear factor of activated T cells 5; plus strand). Cytogenetic location: 16q22.1.
Variant type: single nucleotide variant.
Coding change: c.2222A>G on transcript NM_138713.4 (MANE Select); coding-DNA position 2222, A replaced by G.
Protein change: p.Gln741Arg; replaces glutamine 741 with arginine.
Molecular consequence: missense variant.
Genome position (GRCh38, 1-based): chr16:69,692,047, A>G. VCF-style: chr16-69692047-A-G. GRCh37 (hg19) VCF-style: chr16-69725950-A-G.
Other names: c.2219A>G, p.Gln740Arg (NM_001113178.3); c.1547A>G, p.Gln516Arg (NM_001367709.1); c.2168A>G, p.Gln723Arg (NM_006599.4); c.1940A>G, p.Gln647Arg (NM_138714.4, NM_173214.3, NM_173215.3); short protein forms Q516R, Q647R, Q723R, Q740R, Q741R.
Identifiers: ClinVar variation 1006603 (VCV001006603.8), dbSNP rs2037568833, ClinGen allele CA396507616.

ClinVar aggregate classification (germline): Uncertain significance (1 of 4 stars; one submission).

Conditions:
Immunodeficiency. Identifiers: MedGen C0021051, MONDO:0021094, HP:0002721.

Submission:

Labcorp Genetics (formerly Invitae), Labcorp
Classification: Uncertain significance for Immunodeficiency. Last evaluated: 2020-06-19. Review status: criteria provided, single submitter. Criteria: Invitae Variant Classification Sherloc (09022015). Collection method: clinical testing. Allele origin: germline.
Comment: In summary, the available evidence is currently insufficient to determine the role of this variant in disease. Therefore, it has been classified as a Variant of Uncertain Significance. Algorithms developed to predict the effect of missense changes on protein structure and function (SIFT, PolyPhen-2, Align-GVGD) all suggest that this variant is likely to be tolerated, but these predictions have not been confirmed by published functional studies and their clinical significance is uncertain. This variant has not been reported in the literature in individuals with NFAT5-related disease. This variant is not present in population databases (ExAC no frequency). This sequence change replaces glutamine with arginine at codon 647 of the NFAT5 protein (p.Gln647Arg). The glutamine residue is moderately conserved and there is a small physicochemical difference between glutamine and arginine.